The following is an entry in ClinVar:

ClinVar aggregate classification (germline): Likely benign (0 of 4 stars; one submission).

Conditions:
CSMD3-related disorder. Also called: CSMD3-related condition.

Allele frequency attached by ClinVar (database versions not stated): 1000 Genomes Project 30x 0.00016; 1000 Genomes Project 0.00020; TOPMed 0.00045; gnomAD 0.00048; ExAC 0.00065; ESP Exome Variant Server 0.00085; gnomAD exomes 0.00089.
gnomAD v4.1: 1,378 of 1,613,758 alleles (0.085%); highest among the groups gnomAD compares: Non-Finnish European, 0.11%; no homozygotes.

Submission:

PreventionGenetics, part of Exact Sciences
Classification: Likely benign for CSMD3-related condition. Last evaluated: 2019-05-28. Review status: no assertion criteria provided. Collection method: clinical testing. Allele origin: germline.
Comment: This variant is classified as likely benign based on ACMG/AMP sequence variant interpretation guidelines (Richards et al. 2015 PMID: 25741868, with internal and published modifications).

NM_198123.2(CSMD3):c.8745C>T (p.Cys2915=)

Gene: CSMD3 (CUB and Sushi multiple domains 3; minus strand). Cytogenetic location: 8q23.3.
Variant type: single nucleotide variant.
Coding change: c.8745C>T on transcript NM_198123.2 (MANE Select); coding-DNA position 8745, C replaced by T.
Protein change: p.Cys2915=; no amino-acid change (cysteine 2915 retained).
Molecular consequence: synonymous variant.
Genome position (GRCh38, 1-based): chr8:112,292,580, G>A on the plus strand (C>T on the coding strand, the complement: CSMD3 is on the minus strand). VCF-style: chr8-112292580-G-A. GRCh37 (hg19) VCF-style: chr8-113304809-G-A.
Other names: c.8145C>T, p.Cys2715= (NM_001363185.1); c.8238C>T, p.Cys2746= (NM_052900.3); c.8625C>T, p.Cys2875= (NM_198124.2).
Identifiers: ClinVar variation 3039597 (VCV003039597.2), dbSNP rs139968307, ClinGen allele CA4848886.